The following is an entry in ClinVar:

NM_000059.4(BRCA2):c.9097A>C (p.Thr3033Pro)

Gene: BRCA2 (BRCA2 DNA repair associated; plus strand). Cytogenetic location: 13q13.1.
Variant type: single nucleotide variant.
Coding change: c.9097A>C on transcript NM_000059.4 (MANE Select); coding-DNA position 9097, A replaced by C.
Protein change: p.Thr3033Pro; replaces threonine 3033 with proline.
Molecular consequence: missense variant.
Genome position (GRCh38, 1-based): chr13:32,379,893, A>C. VCF-style: chr13-32379893-A-C. GRCh37 (hg19) VCF-style: chr13-32954030-A-C.
Other names: short protein forms T3033P.
Identifiers: ClinVar variation 232147 (VCV000232147.23), dbSNP rs766308212, ClinGen allele CA6941330.

ClinVar aggregate classification (germline): Uncertain significance. Review status: criteria provided, multiple submitters, no conflicts (2 of 4 stars). 7 submissions from 7 submitters: Uncertain significance (7). Last evaluated 2025-11-18.

Conditions:
BRCA2-related cancer predisposition. Identifiers: MedGen CN377758, MONDO:0700269.
Hereditary cancer-predisposing syndrome. Also called: Neoplastic Syndromes, Hereditary; Tumor predisposition; Hereditary Cancer Syndrome; Hereditary neoplastic syndrome. Identifiers: Orphanet 140162, MedGen C0027672, MeSH D009386, MONDO:0015356.
Hereditary breast ovarian cancer syndrome. Also called: BRCA1- and BRCA2-Associated Hereditary Breast and Ovarian Cancer; Hereditary breast and ovarian cancer syndrome; Hereditary breast and ovarian cancer; Hereditary breast and ovarian cancer syndrome (HBOC); Breast and ovarian cancer; Hereditary breast and/or ovarian cancer syndrome. Identifiers: Orphanet 145, MedGen C0677776, MeSH D061325, MONDO:0003582. Disease mechanism: loss of function.

Allele frequency attached by ClinVar (database versions not stated): gnomAD exomes below 0.00001; TOPMed below 0.00001; ExAC 0.00002.
gnomAD v4.1: 1 of 1,613,806 alleles (0.000062%); highest among the groups gnomAD compares: South Asian, 0.0011%; no homozygotes.

Submissions (7):

Ambry Genetics
Classification: Uncertain significance for Hereditary cancer-predisposing syndrome. Last evaluated: 2025-11-18. Review status: criteria provided, single submitter. Criteria: Ambry Variant Classification Scheme 2023. Collection method: clinical testing. Allele origin: germline.
Comment: The p.T3033P variant (also known as c.9097A>C), located in coding exon 22 of the BRCA2 gene, results from an A to C substitution at nucleotide position 9097. The threonine at codon 3033 is replaced by proline, an amino acid with highly similar properties. This amino acid position is highly conserved in available vertebrate species. In addition, this alteration is predicted to be deleterious by in silico analysis. Based on the available evidence, the clinical significance of this variant remains unclear.

Labcorp Genetics (formerly Invitae), Labcorp
Classification: Uncertain significance for Hereditary breast ovarian cancer syndrome. Last evaluated: 2025-05-19. Review status: criteria provided, single submitter. Criteria: Invitae Variant Classification Sherloc (09022015). Collection method: clinical testing. Allele origin: germline.
Comment: This sequence change replaces threonine, which is neutral and polar, with proline, which is neutral and non-polar, at codon 3033 of the BRCA2 protein (p.Thr3033Pro). This variant is present in population databases (rs766308212, gnomAD 0.003%). This missense change has been observed in individual(s) with breast and prostate cancer (PMID: 28993434, 36095024). ClinVar contains an entry for this variant (Variation ID: 232147). Invitae Evidence Modeling of protein sequence and biophysical properties (such as structural, functional, and spatial information, amino acid conservation, physicochemical variation, residue mobility, and thermodynamic stability) has been performed for this missense variant. However, the output from this modeling did not meet the statistical confidence thresholds required to predict the impact of this variant on BRCA2 protein function. In summary, the available evidence is currently insufficient to determine the role of this variant in disease. Therefore, it has been classified as a Variant of Uncertain Significance.

All of Us Research Program, National Institutes of Health
Classification: Uncertain significance for BRCA2-related cancer predisposition. Last evaluated: 2024-05-14. Review status: criteria provided, single submitter. Criteria: ACMG Guidelines, 2015. Collection method: clinical testing. Allele origin: germline. Inheritance: Autosomal dominant inheritance. Observed: 1 variant allele, 1 heterozygote.
Comment: This missense variant replaces threonine with proline at codon 3033 of the BRCA2 protein. Computational prediction is inconclusive regarding the impact of this variant on protein structure and function. To our knowledge, functional studies have not been reported for this variant. This variant has been reported in individuals affected with breast cancer (PMID: 24578176, 28993434, 33471991; Leiden Open Variation Database DB-ID BRCA2_003782) and in a multifactorial analysis with co-occurrence and family history likelihood ratios for pathogenicity of 1.0246 and 0.9410, respectively (PMID: 31131967). This variant has been identified in 1/249460 chromosomes in the general population by the Genome Aggregation Database (gnomAD). The available evidence is insufficient to determine the role of this variant in disease conclusively. Therefore, this variant is classified as a Variant of Uncertain Significance.

This study involves interpretation of variants in research participants for the purpose of population health screening. Participant phenotype was not available at the time of variant classification. Additional details can be found in publication PMID: 35346344, PMCID: PMC8962531

Color Diagnostics, LLC DBA Color Health
Classification: Uncertain significance for Hereditary cancer-predisposing syndrome. Last evaluated: 2024-05-03. Review status: criteria provided, single submitter. Criteria: ACMG Guidelines, 2015. Collection method: clinical testing. Allele origin: germline.
Comment: This missense variant replaces threonine with proline at codon 3033 of the BRCA2 protein. Computational prediction is inconclusive regarding the impact of this variant on protein structure and function. To our knowledge, functional studies have not been reported for this variant. This variant has been reported in individuals affected with breast cancer (PMID: 24578176, 28993434, 33471991; Leiden Open Variation Database DB-ID BRCA2_003782) and in a multifactorial analysis with co-occurrence and family history likelihood ratios for pathogenicity of 1.0246 and 0.9410, respectively (PMID: 31131967). This variant has been identified in 1/249460 chromosomes in the general population by the Genome Aggregation Database (gnomAD). The available evidence is insufficient to determine the role of this variant in disease conclusively. Therefore, this variant is classified as a Variant of Uncertain Significance.

GeneDx
Classification: Uncertain significance. Last evaluated: 2020-01-21. Review status: criteria provided, single submitter. Criteria: GeneDx Variant Classification Process June 2021. Collection method: clinical testing. Allele origin: germline. Affected: yes.
Comment: Observed in individuals with breast cancer (Kang 2014, Wen 2018); Not observed at a significant frequency in large population cohorts (Lek 2016); In silico analysis, which includes protein predictors and evolutionary conservation, supports that this variant does not alter protein structure/function; Also known as c.9325A>C; This variant is associated with the following publications: (PMID: 24578176, 28993434, 31131967)

Women's Health and Genetics/Laboratory Corporation of America, LabCorp
Classification: Uncertain significance. Last evaluated: 2019-11-21. Review status: criteria provided, single submitter. Criteria: LabCorp Variant Classification Summary - May 2015. Collection method: clinical testing. Allele origin: germline.
Comment: Variant summary: BRCA2 c.9097A>C (p.Thr3033Pro) results in a non-conservative amino acid change in the encoded protein sequence. Five of five in-silico tools predict a damaging effect of the variant on protein function. The variant allele was found at a frequency of 3.9e-06 in 255078 control chromosomes. The available data on variant occurrences in the general population are insufficient to allow any conclusion about variant significance. c.9097A>C has been reported in the literature in individuals affected with Breast Cancer (Kang_2014, Wen_2018). These reports do not provide unequivocal conclusions about association of the variant with Hereditary Breast and Ovarian Cancer. To our knowledge, no experimental evidence demonstrating an impact on protein function has been reported. Three clinical diagnostic laboratories have submitted clinical-significance assessments for this variant to ClinVar after 2014 without evidence for independent evaluation. All laboratories classified the variant as uncertain significance. Based on the evidence outlined above, the variant was classified as uncertain significance.

Quest Diagnostics Nichols Institute San Juan Capistrano
Classification: Uncertain significance. Last evaluated: 2019-01-17. Review status: criteria provided, single submitter. Criteria: Quest Diagnostics criteria. Collection method: clinical testing. Allele origin: germline.

Literature cited by the submitters: PubMed 24578176 (cited by 5 submitters); PubMed 28993434 (cited by 6 submitters); PubMed 36095024 (cited by Labcorp Genetics (formerly Invitae), Labcorp); PubMed 31131967 (cited by All of Us Research Program, National Institutes of Health and Color Diagnostics, LLC DBA Color Health); PubMed 33471991 (cited by All of Us Research Program, National Institutes of Health and Color Diagnostics, LLC DBA Color Health).